The following is an entry in ClinVar:

ClinVar aggregate classification (germline): Uncertain significance (1 of 4 stars; one submission).

Conditions:
Charcot-Marie-Tooth disease type 4. Also called: Charcot-Marie-Tooth, Type 4; Charcot-Marie-Tooth disease, type IV. Identifiers: Orphanet 64749, MedGen C4082197, MONDO:0018995.

gnomAD v4.1: 3 of 1,613,442 alleles (0.00019%); highest among the groups gnomAD compares: Non-Finnish European, 0.00025%; no homozygotes.

Submission:

Labcorp Genetics (formerly Invitae), Labcorp
Classification: Uncertain significance for Charcot-Marie-Tooth disease type 4. Last evaluated: 2022-06-26. Review status: criteria provided, single submitter. Criteria: Invitae Variant Classification Sherloc (09022015). Collection method: clinical testing. Allele origin: germline.
Comment: This variant is not present in population databases (gnomAD no frequency). This sequence change replaces lysine, which is basic and polar, with arginine, which is basic and polar, at codon 1086 of the PRX protein (p.Lys1086Arg). In summary, the available evidence is currently insufficient to determine the role of this variant in disease. Therefore, it has been classified as a Variant of Uncertain Significance. Algorithms developed to predict the effect of missense changes on protein structure and function are either unavailable or do not agree on the potential impact of this missense change (SIFT: "Tolerated"; PolyPhen-2: "Possibly Damaging"; Align-GVGD: "Class C0"). This variant has not been reported in the literature in individuals affected with PRX-related conditions.

NM_181882.3(PRX):c.3257A>G (p.Lys1086Arg)

Gene: PRX (periaxin; minus strand). Cytogenetic location: 19q13.2.
Variant type: single nucleotide variant.
Coding change: c.3257A>G on transcript NM_181882.3 (MANE Select); coding-DNA position 3257, A replaced by G.
Protein change: p.Lys1086Arg; replaces lysine 1086 with arginine.
Molecular consequence: missense variant. On other transcripts: 3 prime UTR variant (1).
Genome position (GRCh38, 1-based): chr19:40,395,095, T>C on the plus strand (A>G on the coding strand, the complement: PRX is on the minus strand). VCF-style: chr19-40395095-T-C. GRCh37 (hg19) VCF-style: chr19-40901002-T-C.
Other names: c.3542A>G, p.Lys1181Arg (NM_001411127.1); c.*3462A>G (NM_020956.2); short protein forms K1086R, K1181R.
Identifiers: ClinVar variation 2010792 (VCV002010792.4), dbSNP rs2514800637, ClinGen allele CA405894628.